The following is an entry in ClinVar:

NM_177438.3(DICER1):c.320C>T (p.Ala107Val)

Gene: DICER1 (dicer 1, ribonuclease III; minus strand). Cytogenetic location: 14q32.13.
Variant type: single nucleotide variant.
Coding change: c.320C>T on transcript NM_177438.3 (MANE Select); coding-DNA position 320, C replaced by T.
Protein change: p.Ala107Val; replaces alanine 107 with valine.
Molecular consequence: missense variant.
Genome position (GRCh38, 1-based): chr14:95,131,627, G>A on the plus strand (C>T on the coding strand, the complement: DICER1 is on the minus strand). VCF-style: chr14-95131627-G-A. GRCh37 (hg19) VCF-style: chr14-95597964-G-A.
Other names: c.320C>T, p.Ala107Val (NM_001195573.1, NM_001271282.3, NM_001291628.2 and 1 more transcripts); short protein forms A107V.
Identifiers: ClinVar variation 412176 (VCV000412176.17), dbSNP rs1060503655, ClinGen allele CA16614567.

ClinVar aggregate classification (germline): Conflicting classifications of pathogenicity. Review status: criteria provided, conflicting classifications (1 of 4 stars). 4 submissions from 4 submitters: Uncertain significance (3); Likely benign (1). Last evaluated 2025-11-10.

Conditions:
DICER1-related tumor predisposition. Also called: DICER1-related pleuropulmonary blastoma cancer predisposition syndrome; DICER1 syndrome. Identifiers: Orphanet 284343, MedGen C3839822, MONDO:0100216.
Global developmental delay - lung cysts - overgrowth - Wilms tumor syndrome. Also called: GLOW Syndrome; GLOBAL DEVELOPMENTAL DELAY, LUNG CYSTS, OVERGROWTH, AND WILMS TUMOR. Identifiers: Orphanet 404476, MedGen C4748924, MONDO:0018445, OMIM 618272.
Hereditary cancer-predisposing syndrome. Also called: Hereditary neoplastic syndrome; Neoplastic Syndromes, Hereditary; Tumor predisposition; Hereditary Cancer Syndrome. Identifiers: Orphanet 140162, MedGen C0027672, MeSH D009386, MONDO:0015356.

Allele frequency attached by ClinVar (database versions not stated): gnomAD 0.00001; gnomAD exomes 0.00001.
gnomAD v4.1: 15 of 1,613,790 alleles (0.00093%); highest among the groups gnomAD compares: Non-Finnish European, 0.0013%; no homozygotes.

Submissions (4):

Labcorp Genetics (formerly Invitae), Labcorp
Classification: Uncertain significance for DICER1-related tumor predisposition. Last evaluated: 2025-11-10. Review status: criteria provided, single submitter. Criteria: Invitae Variant Classification Sherloc (09022015). Collection method: clinical testing. Allele origin: germline.
Comment: This sequence change replaces alanine, which is neutral and non-polar, with valine, which is neutral and non-polar, at codon 107 of the DICER1 protein (p.Ala107Val). This variant is not present in population databases (gnomAD no frequency). This variant has not been reported in the literature in individuals affected with DICER1-related conditions. ClinVar contains an entry for this variant (Variation ID: 412176). Invitae Evidence Modeling of protein sequence and biophysical properties (such as structural, functional, and spatial information, amino acid conservation, physicochemical variation, residue mobility, and thermodynamic stability) indicates that this missense variant is not expected to disrupt DICER1 protein function with a negative predictive value of 95%. In summary, the available evidence is currently insufficient to determine the role of this variant in disease. Therefore, it has been classified as a Variant of Uncertain Significance.

Center for Genomic Medicine, Rigshospitalet, Copenhagen University Hospital
Classification: Uncertain significance. Last evaluated: 2025-03-04. Review status: criteria provided, single submitter. Criteria: ACMG Guidelines, 2015. Collection method: clinical testing. Allele origin: germline.

Baylor Genetics
Classification: Uncertain significance for Global developmental delay - lung cysts - overgrowth - Wilms tumor syndrome. Last evaluated: 2024-02-06. Review status: criteria provided, single submitter. Criteria: ACMG Guidelines, 2015. Collection method: clinical testing. Allele origin: unknown.

Ambry Genetics
Classification: Likely benign for Hereditary cancer-predisposing syndrome. Last evaluated: 2023-10-24. Review status: criteria provided, single submitter. Criteria: Ambry Variant Classification Scheme 2023. Collection method: clinical testing. Allele origin: germline.